The following is an entry in ClinVar:

ClinVar aggregate classification (germline): Pathogenic (1 of 4 stars; one submission).

Submission:

Labcorp Genetics (formerly Invitae), Labcorp
Classification: Pathogenic. Last evaluated: 2023-05-21. Review status: criteria provided, single submitter. Criteria: Invitae Variant Classification Sherloc (09022015). Collection method: clinical testing. Allele origin: germline.
Comment: Disruption of this splice site has been observed in individuals with inborn errors of metabolism and/or methylmalonic aciduria (PMID: 15643616, 31998365). For these reasons, this variant has been classified as Pathogenic. Algorithms developed to predict the effect of sequence changes on RNA splicing suggest that this variant may disrupt the consensus splice site. This variant is not present in population databases (gnomAD no frequency). This sequence change affects an acceptor splice site in intron 9 of the MUT gene. It is expected to disrupt RNA splicing. Variants that disrupt the donor or acceptor splice site typically lead to a loss of protein function (PMID: 16199547), and loss-of-function variants in MUT are known to be pathogenic (PMID: 15781192).

Literature cited by the submitters: PubMed 15643616; PubMed 31998365; PubMed 16199547; PubMed 15781192.

NM_000255.4(MMUT):c.1677-2A>G

Gene: MMUT (methylmalonyl-CoA mutase; minus strand). Cytogenetic location: 6p12.3.
Variant type: single nucleotide variant.
Coding change: c.1677-2A>G on transcript NM_000255.4 (MANE Select); the canonical splice acceptor site of the intron before coding-DNA position 1677, A replaced by G.
Molecular consequence: splice acceptor variant.
Genome position (GRCh38, 1-based): chr6:49,441,973, T>C on the plus strand (A>G on the coding strand, the complement: MMUT is on the minus strand). VCF-style: chr6-49441973-T-C. GRCh37 (hg19) VCF-style: chr6-49409686-T-C.
Identifiers: ClinVar variation 2982265 (VCV002982265.3), dbSNP rs1448907509, ClinGen allele CA364396199.